The following is an entry in ClinVar:

ClinVar aggregate classification (germline): Pathogenic (1 of 4 stars; one submission).

Conditions:
Capillary malformation-arteriovenous malformation syndrome. Also called: Capillary malformation-arteriovenous malformation. Identifiers: Orphanet 137667, MedGen C1842180, MONDO:0012016.

Submission:

Labcorp Genetics (formerly Invitae), Labcorp
Classification: Pathogenic for Capillary malformation-arteriovenous malformation syndrome. Last evaluated: 2023-11-06. Review status: criteria provided, single submitter. Criteria: Invitae Variant Classification Sherloc (09022015). Collection method: clinical testing. Allele origin: germline.
Comment: This sequence change affects a donor splice site in intron 14 of the RASA1 gene. It is expected to disrupt RNA splicing. Variants that disrupt the donor or acceptor splice site typically lead to a loss of protein function (PMID: 16199547), and loss-of-function variants in RASA1 are known to be pathogenic (PMID: 24038909). This variant is not present in population databases (gnomAD no frequency). Disruption of this splice site has been observed in individual(s) with clinical features of RASA1-related conditions (Invitae). In at least one individual the variant was observed to be de novo. ClinVar contains an entry for this variant (Variation ID: 851184). Algorithms developed to predict the effect of sequence changes on RNA splicing suggest that this variant may disrupt the consensus splice site. For these reasons, this variant has been classified as Pathogenic.

Literature cited by the submitters: PubMed 16199547; PubMed 24038909.

NM_002890.3(RASA1):c.1934+2T>G

Genes: CCNH (cyclin H; minus strand), RASA1 (RAS p21 protein activator 1; plus strand). Cytogenetic location: 5q14.3.
Variant type: single nucleotide variant.
Coding change: c.1934+2T>G on transcript NM_002890.3 (MANE Select); the canonical splice donor site of the intron after coding-DNA position 1934, T replaced by G.
Molecular consequence: splice donor variant. On other transcripts: intron variant (1).
Genome position (GRCh38, 1-based): chr5:87,374,322, T>G. VCF-style: chr5-87374322-T-G. GRCh37 (hg19) VCF-style: chr5-86670139-T-G.
Other names: c.1403+2T>G (NM_022650.3); c.933+20722A>C (NM_001364075.2).
Identifiers: ClinVar variation 851184 (VCV000851184.8), dbSNP rs1761160392, ClinGen allele CA360375571.